The following is an entry in ClinVar:

ClinVar aggregate classification (germline): Uncertain significance (1 of 4 stars; one submission).

Conditions:
Catecholaminergic polymorphic ventricular tachycardia (CVPT). Also called: Catecholamine-induced polymorphic ventricular tachycardia. Identifiers: Orphanet 3286, MedGen C5574922, MONDO:0017990.

gnomAD v4.1: 1 of 1,610,686 alleles (0.000062%); highest among the groups gnomAD compares: Non-Finnish European, 0.000085%; no homozygotes.

Submission:

All of Us Research Program, National Institutes of Health
Classification: Uncertain significance for Catecholaminergic polymorphic ventricular tachycardia. Last evaluated: 2023-11-02. Review status: criteria provided, single submitter. Criteria: ACMG Guidelines, 2015. Collection method: clinical testing. Allele origin: germline. Inheritance: Autosomal dominant inheritance. Observed: 1 variant allele, 1 heterozygote.
Comment: This missense variant replaces lysine with methionine at codon 1884 of the RYR2 protein. Computational prediction suggests that this variant may not impact protein structure and function (internally defined REVEL score threshold <= 0.5, PMID: 27666373). To our knowledge, functional studies have not been reported for this variant. This variant has not been reported in individuals affected with RYR2-related disorders in the literature. This variant has not been identified in the general population by the Genome Aggregation Database (gnomAD). The available evidence is insufficient to determine the role of this variant in disease conclusively. Therefore, this variant is classified as a Variant of Uncertain Significance.

This study involves interpretation of variants in research participants for the purpose of population health screening. Participant phenotype was not available at the time of variant classification. Additional details can be found in publication PMID: 35346344, PMCID: PMC8962531

NM_001035.3(RYR2):c.5651A>T (p.Lys1884Met)

Gene: RYR2 (ryanodine receptor 2; plus strand). Cytogenetic location: 1q43.
Variant type: single nucleotide variant.
Coding change: c.5651A>T on transcript NM_001035.3 (MANE Select); coding-DNA position 5651, A replaced by T.
Protein change: p.Lys1884Met; replaces lysine 1884 with methionine.
Molecular consequence: missense variant.
Genome position (GRCh38, 1-based): chr1:237,614,779, A>T. VCF-style: chr1-237614779-A-T. GRCh37 (hg19) VCF-style: chr1-237778079-A-T.
Other names: short protein forms K1884M.
Identifiers: ClinVar variation 3074202 (VCV003074202.1), dbSNP rs1170663653, ClinGen allele CA345405642.